The following is an entry in ClinVar:

NM_019842.4(KCNQ5):c.1613A>T (p.Lys538Met)

Gene: KCNQ5 (potassium voltage-gated channel subfamily Q member 5; plus strand). Cytogenetic location: 6q13.
Variant type: single nucleotide variant.
Coding change: c.1613A>T on transcript NM_019842.4 (MANE Select); coding-DNA position 1613, A replaced by T.
Protein change: p.Lys538Met; replaces lysine 538 with methionine.
Molecular consequence: missense variant.
Genome position (GRCh38, 1-based): chr6:73,190,608, A>T. VCF-style: chr6-73190608-A-T. GRCh37 (hg19) VCF-style: chr6-73900331-A-T.
Other names: c.1586A>T, p.Lys529Met (NM_001160130.2); c.1643A>T, p.Lys548Met (NM_001160132.2); c.1670A>T, p.Lys557Met (NM_001160133.2); c.1283A>T, p.Lys428Met (NM_001160134.2); short protein forms K428M, K529M, K548M, K538M, K557M.
Identifiers: ClinVar variation 3656573 (VCV003656573.2).

ClinVar aggregate classification (germline): Uncertain significance (1 of 4 stars; one submission).

Submission:

Labcorp Genetics (formerly Invitae), Labcorp
Classification: Uncertain significance. Last evaluated: 2024-06-13. Review status: criteria provided, single submitter. Criteria: Invitae Variant Classification Sherloc (09022015). Collection method: clinical testing. Allele origin: germline.
Comment: This sequence change replaces lysine, which is basic and polar, with methionine, which is neutral and non-polar, at codon 557 of the KCNQ5 protein (p.Lys557Met). This variant is not present in population databases (gnomAD no frequency). This variant has not been reported in the literature in individuals affected with KCNQ5-related conditions. Advanced modeling of protein sequence and biophysical properties (such as structural, functional, and spatial information, amino acid conservation, physicochemical variation, residue mobility, and thermodynamic stability) performed at Invitae indicates that this missense variant is expected to disrupt KCNQ5 protein function with a positive predictive value of 80%. In summary, the available evidence is currently insufficient to determine the role of this variant in disease. Therefore, it has been classified as a Variant of Uncertain Significance.